The following is an entry in ClinVar:

ClinVar aggregate classification (germline): Conflicting classifications of pathogenicity. Review status: criteria provided, conflicting classifications (1 of 4 stars). 7 submissions from 7 submitters: Likely pathogenic (1); Uncertain significance (5); Benign (1). Last evaluated 2025-12-17.

Conditions:
Stickler syndrome type 2 (STL2). Also called: STICKLER SYNDROME, TYPE II; STICKLER SYNDROME, BEADED VITREOUS TYPE; STICKLER SYNDROME, VITREOUS TYPE 2; COL11A1-Related Stickler Syndrome. Identifiers: Orphanet 828, Orphanet 90654, MedGen C1858084, MONDO:0011493, OMIM 604841.
Hearing loss, autosomal dominant 37. Also called: DEAFNESS, AUTOSOMAL DOMINANT 37. Identifiers: MedGen C4760307, MONDO:0032802, OMIM 618533.
Fibrochondrogenesis 1 (FBCG1). Identifiers: Orphanet 2021, MedGen C3278138, MONDO:0009226, OMIM 228520.
Marshall syndrome (MRSHS). Identifiers: Orphanet 560, MedGen C0265235, MONDO:0007949, OMIM 154780.
COL11A1-related disorder. Also called: COL11A1-related disorders; COL11A1-related condition.
Intervertebral disc disorder (IDD). Also called: Lumbar disk degenerative disorder; INTERVERTEBRAL DISC DISEASE. Identifiers: MedGen C0158252, MONDO:0044339, OMIM 603932.

gnomAD v4.1: 36 of 1,613,256 alleles (0.0022%); highest among the groups gnomAD compares: South Asian, 0.013%; no homozygotes.

Submissions (7):

Labcorp Genetics (formerly Invitae), Labcorp
Classification: Benign. Last evaluated: 2025-12-17. Review status: criteria provided, single submitter. Criteria: Invitae Variant Classification Sherloc (09022015). Collection method: clinical testing. Allele origin: germline.

PreventionGenetics, part of Exact Sciences
Classification: Uncertain significance for COL11A1-related condition. Last evaluated: 2025-10-22. Review status: criteria provided, single submitter. Criteria: ACMG Guidelines, 2015. Collection method: clinical testing. Allele origin: germline.
Comment: The COL11A1 c.2285G>A variant is predicted to result in the amino acid substitution p.Arg762Gln. This variant was reported in the heterozygous state and as a variant of uncertain significance in an individual with pericentral retinitis pigmentosa (Comander et al. 2017. PubMed ID: 28981474). This variant is reported in 0.016% of alleles in individuals of South Asian descent in gnomAD. At this time, the clinical significance of this variant is uncertain due to the absence of conclusive functional and genetic evidence.

GeneDx
Classification: Uncertain significance. Last evaluated: 2025-03-20. Review status: criteria provided, single submitter. Criteria: GeneDx Variant Classification Process June 2021. Collection method: clinical testing. Allele origin: germline.
Comment: Reported in a patient with retinitis pigmentosa in published literature (PMID: 28981474); In silico analysis supports that this missense variant has a deleterious effect on protein structure/function; This variant is associated with the following publications: (PMID: 39654522, 28981474)

Blueprint Genetics
Classification: Uncertain significance. Last evaluated: 2024-07-29. Review status: criteria provided, single submitter. Criteria: ACMG Guidelines, 2015. Collection method: clinical testing. Allele origin: germline.

Laboratory of Prof. Karen Avraham, Tel Aviv University
Classification: Likely pathogenic for Hearing loss, autosomal dominant 37. Last evaluated: 2024-05-02. Review status: criteria provided, single submitter. Criteria: ACMG Guidelines, 2015. Collection method: research. Allele origin: germline. Affected: yes. Observed: 1 variant allele.
Comment: Likely pathogenic by Deafness Variation Database based on PMID:28981474

DFNA37; normal-mild HL

Department of Pathology and Laboratory Medicine, Sinai Health System
Classification: Uncertain significance for Hearing loss, autosomal dominant 37; Marshall syndrome; Fibrochondrogenesis 1; Stickler syndrome type 2. Last evaluated: 2023-01-03. Review status: criteria provided, single submitter. Criteria: ACMG Guidelines, 2015. Collection method: research. Allele origin: germline.

Fulgent Genetics
Classification: Uncertain significance for Marshall syndrome; Fibrochondrogenesis 1; Intervertebral disc disorder; Stickler syndrome type 2; Hearing loss, autosomal dominant 37. Last evaluated: 2022-03-09. Review status: criteria provided, single submitter. Criteria: ACMG Guidelines, 2015. Collection method: clinical testing. Allele origin: unknown.

NM_001854.4(COL11A1):c.2285G>A (p.Arg762Gln)

Gene: COL11A1 (collagen type XI alpha 1 chain; minus strand). Cytogenetic location: 1p21.1.
Variant type: single nucleotide variant.
Coding change: c.2285G>A on transcript NM_001854.4 (MANE Select); coding-DNA position 2285, G replaced by A.
Protein change: p.Arg762Gln; replaces arginine 762 with glutamine.
Molecular consequence: missense variant. On other transcripts: non-coding transcript variant (1).
Genome position (GRCh38, 1-based): chr1:102,995,999, C>T on the plus strand (G>A on the coding strand, the complement: COL11A1 is on the minus strand). VCF-style: chr1-102995999-C-T. GRCh37 (hg19) VCF-style: chr1-103461555-C-T.
Other names: c.2168G>A, p.Arg723Gln (NM_001190709.2); c.2321G>A, p.Arg774Gln (NM_080629.3); c.1937G>A, p.Arg646Gln (NM_080630.4); c.2285G>A (NM_001854.3); short protein forms R762Q, R774Q, R646Q, R723Q.
Identifiers: ClinVar variation 1357917 (VCV001357917.12), dbSNP rs758825857, ClinGen allele CA974505.